The following is an entry in ClinVar:

ClinVar aggregate classification (germline): Likely pathogenic. Review status: criteria provided, multiple submitters, no conflicts (2 of 4 stars). 3 submissions from 3 submitters: Likely pathogenic (2). 1 of the submissions does not count toward it. Last evaluated 2021-04-12.

Conditions:
Hearing loss, autosomal dominant 37. Also called: DEAFNESS, AUTOSOMAL DOMINANT 37. Identifiers: MedGen C4760307, MONDO:0032802, OMIM 618533.
Hearing impairment. Also called: Impaired Hearing. Identifiers: MedGen C1384666, MONDO:0005365, HP:0000365.

Submissions (4):

Department of Otolaryngology – Head & Neck Surgery, Cochlear Implant Center
Classification: Likely pathogenic for Hearing impairment. Last evaluated: 2021-04-12. Review status: criteria provided, single submitter. Criteria: ClinGen HL ACMG Specifications v1. Collection method: clinical testing. Allele origin: germline. Affected: yes.
Comment: PS2_Supporting, PS3_Supporting, PM2_Moderate, PP1_Supporting, PP3_Supporting

CeGaT Center for Human Genetics Tuebingen
Classification: Likely pathogenic. Last evaluated: 2018-11-01. Review status: criteria provided, single submitter. Criteria: CeGaT Center For Human Genetics Tuebingen Variant Classification Criteria Version 2. Collection method: clinical testing. Allele origin: germline. Affected: yes. Observed: 3 variant alleles.

OMIM
Classification: Pathogenic for DEAFNESS, AUTOSOMAL DOMINANT 37. Last evaluated: 2021-05-24. Review status: no assertion criteria provided. Collection method: literature only. Allele origin: germline. Not counted in ClinVar's aggregate classification.

Dr. Peter K. Rogan Lab, Western University
No classification provided (evidence only). Condition: Familial cancer of breast. Review status: no classification provided. Collection method: in vitro. Allele origin: not applicable. Functional consequence: retained intron. Not counted in ClinVar's aggregate classification.

Literature cited by the submitters: PubMed 33169910 (cited by Department of Otolaryngology – Head & Neck Surgery, Cochlear Implant Center and OMIM).

NM_001854.4(COL11A1):c.4302+2T>C

Gene: COL11A1 (collagen type XI alpha 1 chain; minus strand). Cytogenetic location: 1p21.1.
Variant type: single nucleotide variant.
Coding change: c.4302+2T>C on transcript NM_001854.4 (MANE Select); the canonical splice donor site of the intron after coding-DNA position 4302, T replaced by C.
Molecular consequence: splice donor variant.
Genome position (GRCh38, 1-based): chr1:102,898,123, A>G on the plus strand (T>C on the coding strand, the complement: COL11A1 is on the minus strand). VCF-style: chr1-102898123-A-G. GRCh37 (hg19) VCF-style: chr1-103363679-A-G.
Other names: NC_000001.10:g.103363679A>G; IVS57, T-C, +2 (rs1553196233); c.4185+2T>C (NM_001190709.2); c.4338+2T>C (NM_080629.3); c.3954+2T>C (NM_080630.4).
Identifiers: ClinVar variation 493048 (VCV000493048.48), dbSNP rs1553196233, ClinGen allele CA341155113.